The following is an entry in ClinVar:

NM_032888.4(COL27A1):c.521G>C (p.Cys174Ser)

Gene: COL27A1 (collagen type XXVII alpha 1 chain; plus strand). Cytogenetic location: 9q32.
Variant type: single nucleotide variant.
Coding change: c.521G>C on transcript NM_032888.4 (MANE Select); coding-DNA position 521, G replaced by C.
Protein change: p.Cys174Ser; replaces cysteine 174 with serine.
Molecular consequence: missense variant.
Genome position (GRCh38, 1-based): chr9:114,168,076, G>C. VCF-style: chr9-114168076-G-C. GRCh37 (hg19) VCF-style: chr9-116930356-G-C.
Other names: short protein forms C174S.
Identifiers: ClinVar variation 1357452 (VCV001357452.3), dbSNP rs777003275, ClinGen allele CA374590216.
Genomic context (GRCh38, chr9:114,168,076, plus strand): 5'-GGCGCTGGCACCACCTGGCCCTCGAGCTCCGAGGCCGCACAGTCACTCTGGTGACTGCCT[G>C]CGGGCAGCGCCGGGTGCCTGTCCTGCTGCCTTTCCACAGGGACCCTGCACTCGACCCTGG-3'
Protein context (NP_116277.2, residues 164-184): RGRTVTLVTA[Cys174Ser]GQRRVPVLLP

ClinVar aggregate classification (germline): Uncertain significance (1 of 4 stars; one submission).

gnomAD v4.1: 4 of 1,610,112 alleles (0.00025%); highest among the groups gnomAD compares: South Asian, 0.0044%; no homozygotes.

Submission:

Labcorp Genetics (formerly Invitae), Labcorp
Classification: Uncertain significance. Last evaluated: 2021-12-10. Review status: criteria provided, single submitter. Criteria: Invitae Variant Classification Sherloc (09022015). Collection method: clinical testing. Allele origin: germline.
Comment: This sequence change replaces cysteine, which is neutral and slightly polar, with serine, which is neutral and polar, at codon 174 of the COL27A1 protein (p.Cys174Ser). This variant is not present in population databases (gnomAD no frequency). This variant has not been reported in the literature in individuals affected with COL27A1-related conditions. Advanced modeling of protein sequence and biophysical properties (such as structural, functional, and spatial information, amino acid conservation, physicochemical variation, residue mobility, and thermodynamic stability) performed at Invitae indicates that this missense variant is not expected to disrupt COL27A1 protein function. In summary, the available evidence is currently insufficient to determine the role of this variant in disease. Therefore, it has been classified as a Variant of Uncertain Significance.